The following is an entry in ClinVar:

ClinVar aggregate classification (germline): Likely pathogenic (3 of 4 stars; one submission).

Conditions:
Open-angle glaucoma. Identifiers: MedGen C0017612, MONDO:0005338, HP:0012108.

Submission:

ClinGen Glaucoma Variant Curation Expert Panel
Classification: Likely pathogenic for Open-angle glaucoma. Last evaluated: 2026-02-18. Review status: reviewed by expert panel. Criteria: ClinGen Glaucoma ACMG Specifications V2.0.0 Approved. Collection method: curation. Allele origin: germline. Inheritance: Autosomal dominant inheritance.
Comment: The c.1151A>G variant in MYOC is a missense variant predicted to cause substitution of Aspartate by Glycine at amino acid 384 (p.Asp384Gly). This variant was not found in any genetic ancestry group of gnomAD (v4.1.0), meeting the ≤ 0.0001 threshold set for PM2_Supporting in a genetic ancestry group of at least 10,000 alleles. The REVEL score = 0.975, which met the ≥ 0.932 threshold for PP3_Strong, predicting a damaging effect on MYOC function. The assay in this study (PMID: 40081751), measuring solubility and secretion of the Asp384Gly protein, did not meet the OddsPath threshold for PS3_Supporting (> 2.1). 8 segregations in 1 family, with juvenile or primary open angle glaucoma (JOAG or POAG), have been reported (PMID: 22876119), which fulfilled PP1_Moderate (5-6 meioses). Only 1 proband with JOAG had been reported (PMID: 22876119), not meeting the ≥ 2 probands threshold required to meet PS4_Supporting. Another missense variant (c.1150G>A, p.Asp384Asn, Grantham score = 23, ClinVar ID: 1342205) at the same codon has been classified as likely pathogenic independently of PM5 for juvenile open angle glaucoma by the ClinGen Glaucoma VCEP. The c.1151A>G, p.Asp384Gly variant has a higher Grantham score (= 94) than the previously classified amino acid change, was not predicted to affect splicing as assessed with SpliceAI (≤ 0.2), and met PP3, meeting the conditions for PM5_Supporting to apply. In summary, this variant met the criteria to receive a score of 8 and to be classified as likely pathogenic (likely pathogenic classification range 6 to 9, adapted from PMID: 32720330) for juvenile open angle glaucoma based on the ACMG/AMP criteria met, as specified by the ClinGen Glaucoma VCEP (v2.0.0, 5 Dec 2024): PP3_Strong, PP1_Moderate, PM2_Supporting, PM5_Supporting.

NM_000261.2(MYOC):c.1151A>G (p.Asp384Gly)

Gene: MYOC (myocilin; minus strand). Cytogenetic location: 1q24.3.
Variant type: single nucleotide variant.
Coding change: c.1151A>G on transcript NM_000261.2 (MANE Select); coding-DNA position 1151, A replaced by G.
Protein change: p.Asp384Gly; replaces aspartic acid 384 with glycine.
Molecular consequence: missense variant.
Genome position (GRCh38, 1-based): chr1:171,636,289, T>C on the plus strand (A>G on the coding strand, the complement: MYOC is on the minus strand). VCF-style: chr1-171636289-T-C. GRCh37 (hg19) VCF-style: chr1-171605429-T-C.
Other names: NM_000261.2:c.1151A>G; short protein forms D384G.
Identifiers: ClinVar variation 2570632 (VCV002570632.2), dbSNP rs2527839053, ClinGen allele CA343724521.